The following is an entry in ClinVar:

ClinVar aggregate classification (germline): Uncertain significance. Review status: criteria provided, multiple submitters, no conflicts (2 of 4 stars). 3 submissions from 3 submitters: Uncertain significance (2). 1 of the submissions does not count toward it. Last evaluated 2024-04-18.

Conditions:
Cystic fibrosis (CF). Also called: MUCOVISCIDOSIS. Identifiers: Orphanet 586, MedGen C0010674, MONDO:0009061, OMIM 219700. Disease mechanism: loss of function.
CFTR-related disorder (CFTR-RD). Also called: CFTR-related disorders; CFTR-related condition. Identifiers: MedGen C5924204, MONDO:7770004.

Allele frequency attached by ClinVar (database versions not stated): TOPMed 0.00001; gnomAD 0.00001.
gnomAD v4.1: 1 of 1,602,538 alleles (0.000062%); highest among the groups gnomAD compares: Non-Finnish European, 0.000085%; no homozygotes.

Submissions (3):

Ambry Genetics
Classification: Uncertain significance for Cystic fibrosis. Last evaluated: 2024-04-18. Review status: criteria provided, single submitter. Criteria: Ambry Variant Classification Scheme 2023. Collection method: clinical testing. Allele origin: germline.
Comment: The c.489+5T>C intronic variant results from a T to C substitution 5 nucleotides after coding exon 4 in the CFTR gene. This nucleotide position is well conserved in available vertebrate species. In silico splice site analysis for this alteration is inconclusive. Based on the available evidence, the clinical significance of this variant remains unclear.

Labcorp Genetics (formerly Invitae), Labcorp
Classification: Uncertain significance for Cystic fibrosis. Last evaluated: 2020-09-04. Review status: criteria provided, single submitter. Criteria: Invitae Variant Classification Sherloc (09022015). Collection method: clinical testing. Allele origin: germline.
Comment: This sequence change falls in intron 4 of the CFTR gene. It does not directly change the encoded amino acid sequence of the CFTR protein, but it affects a nucleotide within the consensus splice site of the intron. This variant is not present in population databases (ExAC no frequency). This variant has not been reported in the literature in individuals with CFTR-related conditions. Nucleotide substitutions within the consensus splice site are a relatively common cause of aberrant splicing (PMID: 17576681, 9536098). Algorithms developed to predict the effect of sequence changes on RNA splicing suggest that this variant is not likely to affect RNA splicing, but this prediction has not been confirmed by published transcriptional studies. In summary, the available evidence is currently insufficient to determine the role of this variant in disease. Therefore, it has been classified as a Variant of Uncertain Significance.

Natera, Inc.
Classification: Uncertain significance for CFTR-related disorders. Last evaluated: 2021-01-22. Review status: no assertion criteria provided. Collection method: clinical testing. Allele origin: germline. Not counted in ClinVar's aggregate classification.

Literature cited by the submitters: PubMed 17576681 (cited by Labcorp Genetics (formerly Invitae), Labcorp); PubMed 9536098 (cited by Labcorp Genetics (formerly Invitae), Labcorp).

NM_000492.4(CFTR):c.489+5T>C

Gene: CFTR (CF transmembrane conductance regulator; plus strand). Cytogenetic location: 7q31.2.
Variant type: single nucleotide variant.
Coding change: c.489+5T>C on transcript NM_000492.4 (MANE Select); 5 bases into the intron after coding-DNA position 489, T replaced by C.
Molecular consequence: intron variant.
Genome position (GRCh38, 1-based): chr7:117,531,119, T>C. VCF-style: chr7-117531119-T-C. GRCh37 (hg19) VCF-style: chr7-117171173-T-C.
Other names: c.489+5T>C (NM_000492.3).
Identifiers: ClinVar variation 1046296 (VCV001046296.8), dbSNP rs1453085631, ClinGen allele CA577671224.